The following is an entry in ClinVar:

ClinVar aggregate classification (germline): Pathogenic/Likely pathogenic. Review status: criteria provided, multiple submitters, no conflicts (2 of 4 stars). 3 submissions from 3 submitters: Pathogenic (1); Likely pathogenic (1). 1 of the submissions does not count toward it. Last evaluated 2022-04-09.

Conditions:
Primary hyperoxaluria, type I (HP1). Also called: OXALOSIS I; Primary hyperoxaluria type 1; GLYCOLIC ACIDURIA; HEPATIC AGT DEFICIENCY. Identifiers: Orphanet 416, Orphanet 93598, MedGen C0268164, MONDO:0009823, OMIM 259900. Disease mechanism: loss of function.

Allele frequency attached by ClinVar (database versions not stated): gnomAD exomes below 0.00001.

Submissions (3):

Labcorp Genetics (formerly Invitae), Labcorp
Classification: Pathogenic. Last evaluated: 2022-04-09. Review status: criteria provided, single submitter. Criteria: Invitae Variant Classification Sherloc (09022015). Collection method: clinical testing. Allele origin: germline.
Comment: For these reasons, this variant has been classified as Pathogenic. ClinVar contains an entry for this variant (Variation ID: 370958). This variant has not been reported in the literature in individuals affected with AGXT-related conditions. This variant is not present in population databases (gnomAD no frequency). This sequence change creates a premature translational stop signal (p.Lys225Profs*47) in the AGXT gene. It is expected to result in an absent or disrupted protein product. Loss-of-function variants in AGXT are known to be pathogenic (PMID: 19479957).

Fulgent Genetics
Classification: Likely pathogenic for Primary hyperoxaluria, type I. Last evaluated: 2022-02-03. Review status: criteria provided, single submitter. Criteria: ACMG Guidelines, 2015. Collection method: clinical testing. Allele origin: unknown.

Counsyl
Classification: Likely pathogenic for Primary hyperoxaluria, type I. Last evaluated: 2016-05-23. Review status: no assertion criteria provided. Collection method: clinical testing. Allele origin: unknown. Not counted in ClinVar's aggregate classification.

Literature cited by the submitters: PubMed 19479957 (cited by Labcorp Genetics (formerly Invitae), Labcorp).

NM_000030.3(AGXT):c.673_676del (p.Lys225fs)

Gene: AGXT (alanine--glyoxylate aminotransferase; plus strand). Cytogenetic location: 2q37.3.
Variant type: Deletion.
Coding change: c.673_676del on transcript NM_000030.3 (MANE Select); coding-DNA positions 673 to 676, 4 bases deleted (AAGG; older notation c.673_676delAAGG).
Protein change: p.Lys225fs; shifts the reading frame from lysine 225.
Molecular consequence: frameshift variant.
Genome position (GRCh38, 1-based): chr2:240,874,055-240,874,058, AAGG deleted. VCF-style (leftmost placement, unchanged base first): chr2-240874054-CAAGG-C. GRCh37 (hg19) VCF-style: chr2-241813471-CAAGG-C.
Other names: short protein forms K225fs.
Identifiers: ClinVar variation 370958 (VCV000370958.9), dbSNP rs1057516896, ClinGen allele CA16040868.